The following is an entry in ClinVar:

NM_001286.5(CLCN6):c.317C>A (p.Thr106Asn)

Gene: CLCN6 (chloride voltage-gated channel 6; plus strand). Cytogenetic location: 1p36.22.
Variant type: single nucleotide variant.
Coding change: c.317C>A on transcript NM_001286.5 (MANE Select); coding-DNA position 317, C replaced by A.
Protein change: p.Thr106Asn; replaces threonine 106 with asparagine.
Molecular consequence: missense variant. On other transcripts: non-coding transcript variant (1).
Genome position (GRCh38, 1-based): chr1:11,819,525, C>A. VCF-style: chr1-11819525-C-A. GRCh37 (hg19) VCF-style: chr1-11879582-C-A.
Other names: c.317C>A (NM_001286.2); c.251C>A, p.Thr84Asn (NM_001256959.2); short protein forms T84N, T106N.
Identifiers: ClinVar variation 1357189 (VCV001357189.9), dbSNP rs953260141, ClinGen allele CA338426541.

ClinVar aggregate classification (germline): Uncertain significance. Review status: criteria provided, multiple submitters, no conflicts (2 of 4 stars). 2 submissions from 2 submitters: Uncertain significance (2). Last evaluated 2025-06-19.

Allele frequency attached by ClinVar (database versions not stated): gnomAD exomes below 0.00001; gnomAD 0.00001.
gnomAD v4.1: 4 of 1,614,084 alleles (0.00025%); highest among the groups gnomAD compares: Non-Finnish European, 0.00034%; no homozygotes.

Submissions (2):

Labcorp Genetics (formerly Invitae), Labcorp
Classification: Uncertain significance. Last evaluated: 2025-06-19. Review status: criteria provided, single submitter. Criteria: Invitae Variant Classification Sherloc (09022015). Collection method: clinical testing. Allele origin: germline.
Comment: This sequence change replaces threonine, which is neutral and polar, with asparagine, which is neutral and polar, at codon 106 of the CLCN6 protein (p.Thr106Asn). This variant is present in population databases (no rsID available, gnomAD 0.002%). This variant has not been reported in the literature in individuals affected with CLCN6-related conditions. ClinVar contains an entry for this variant (Variation ID: 1357189). An algorithm developed to predict the effect of missense changes on protein structure and function (PolyPhen-2) suggests that this variant is likely to be tolerated. In summary, the available evidence is currently insufficient to determine the role of this variant in disease. Therefore, it has been classified as a Variant of Uncertain Significance.

Ambry Genetics
Classification: Uncertain significance. Last evaluated: 2025-04-13. Review status: criteria provided, single submitter. Criteria: Ambry Variant Classification Scheme 2023. Collection method: clinical testing. Allele origin: germline.